The following is an entry in ClinVar:

NM_001278064.2(GRM1):c.1792G>A (p.Ala598Thr)

Gene: GRM1 (glutamate metabotropic receptor 1; plus strand). Cytogenetic location: 6q24.3.
Variant type: single nucleotide variant.
Coding change: c.1792G>A on transcript NM_001278064.2 (MANE Select); coding-DNA position 1792, G replaced by A.
Protein change: p.Ala598Thr; replaces alanine 598 with threonine.
Molecular consequence: missense variant.
Genome position (GRCh38, 1-based): chr6:146,398,831, G>A. VCF-style: chr6-146398831-G-A. GRCh37 (hg19) VCF-style: chr6-146719967-G-A.
Other names: c.1792G>A, p.Ala598Thr (NM_001278065.2, NM_001278066.1, NM_001278067.1); short protein forms A598T.
Identifiers: ClinVar variation 2074604 (VCV002074604.4), dbSNP rs150213757, ClinGen allele CA4037380.

ClinVar aggregate classification (germline): Uncertain significance (1 of 4 stars; one submission).

Allele frequency attached by ClinVar (database versions not stated): gnomAD 0.00001; ExAC 0.00007; ESP Exome Variant Server 0.00008; 1000 Genomes Project 30x 0.00016; gnomAD exomes 0.00001; 1000 Genomes Project 0.00020.
gnomAD v4.1: 23 of 1,613,718 alleles (0.0014%); highest among the groups gnomAD compares: Admixed American, 0.0017%; no homozygotes.

Submission:

Labcorp Genetics (formerly Invitae), Labcorp
Classification: Uncertain significance. Last evaluated: 2022-09-26. Review status: criteria provided, single submitter. Criteria: Invitae Variant Classification Sherloc (09022015). Collection method: clinical testing. Allele origin: germline.
Comment: This sequence change replaces alanine, which is neutral and non-polar, with threonine, which is neutral and polar, at codon 598 of the GRM1 protein (p.Ala598Thr). This variant is present in population databases (rs150213757, gnomAD 0.02%). This variant has not been reported in the literature in individuals affected with GRM1-related conditions. Algorithms developed to predict the effect of missense changes on protein structure and function (SIFT, PolyPhen-2, Align-GVGD) all suggest that this variant is likely to be tolerated. In summary, the available evidence is currently insufficient to determine the role of this variant in disease. Therefore, it has been classified as a Variant of Uncertain Significance.